The following is an entry in ClinVar:

NM_004525.3(LRP2):c.433C>T (p.Pro145Ser)

Gene: LRP2 (LDL receptor related protein 2; minus strand). Cytogenetic location: 2q31.1.
Variant type: single nucleotide variant.
Coding change: c.433C>T on transcript NM_004525.3 (MANE Select); coding-DNA position 433, C replaced by T.
Protein change: p.Pro145Ser; replaces proline 145 with serine.
Molecular consequence: missense variant.
Genome position (GRCh38, 1-based): chr2:169,294,705, G>A on the plus strand (C>T on the coding strand, the complement: LRP2 is on the minus strand). VCF-style: chr2-169294705-G-A. GRCh37 (hg19) VCF-style: chr2-170151215-G-A.
Other names: short protein forms P145S.
Identifiers: ClinVar variation 1513428 (VCV001513428.6), dbSNP rs2105473057, ClinGen allele CA349164369.

ClinVar aggregate classification (germline): Uncertain significance (1 of 4 stars; one submission).

Submission:

Labcorp Genetics (formerly Invitae), Labcorp
Classification: Uncertain significance. Last evaluated: 2022-07-12. Review status: criteria provided, single submitter. Criteria: Invitae Variant Classification Sherloc (09022015). Collection method: clinical testing. Allele origin: germline.
Comment: Advanced modeling of protein sequence and biophysical properties (such as structural, functional, and spatial information, amino acid conservation, physicochemical variation, residue mobility, and thermodynamic stability) performed at Invitae indicates that this missense variant is expected to disrupt LRP2 protein function. ClinVar contains an entry for this variant (Variation ID: 1513428). This variant has not been reported in the literature in individuals affected with LRP2-related conditions. This variant is not present in population databases (gnomAD no frequency). This sequence change replaces proline, which is neutral and non-polar, with serine, which is neutral and polar, at codon 145 of the LRP2 protein (p.Pro145Ser). In summary, the available evidence is currently insufficient to determine the role of this variant in disease. Therefore, it has been classified as a Variant of Uncertain Significance.